The following is an entry in ClinVar:

ClinVar aggregate classification (germline): Pathogenic. Review status: criteria provided, multiple submitters, no conflicts (2 of 4 stars). 3 submissions from 3 submitters: Pathogenic (3). Last evaluated 2025-02-13.

Conditions:
Retinoblastoma (RB1). Also called: RETINOBLASTOMA, SOMATIC. Identifiers: Orphanet 790, MedGen C0035335, MeSH D012175, MONDO:0008380, OMIM 180200, HP:0009919. Disease mechanism: loss of function. Inheritance: Both sporadic and heritable forms are tested..
Hereditary retinoblastoma. Identifiers: Orphanet 357027, MedGen C0751483, MONDO:0018160.

Submissions (3):

GeneDx
Classification: Pathogenic. Last evaluated: 2025-02-13. Review status: criteria provided, single submitter. Criteria: GeneDx Variant Classification Process June 2021. Collection method: clinical testing. Allele origin: germline. Affected: yes.
Comment: Nonsense variant predicted to result in protein truncation or nonsense mediated decay in a gene for which loss of function is a known mechanism of disease; Not observed at significant frequency in large population cohorts (gnomAD); This variant is associated with the following publications: (PMID: 12541220, 31772335, 31158355)

Institute for Genomic Medicine (IGM) Clinical Laboratory, Nationwide Children's Hospital
Classification: Pathogenic for Hereditary retinoblastoma. Last evaluated: 2024-06-17. Review status: criteria provided, single submitter. Criteria: ACMG Guidelines, 2015. Collection method: clinical testing. Allele origin: germline.
Comment: This variant is predicted to result in loss of function through nonsense-mediated decay of the encoded transcript or premature truncation of the encoded protein in a gene in which loss of function is a known mechanism of disease (ACMG/AMP: PVS1). This variant has been reported at an elevated frequency in affected individuals/in multiple affected individuals in the literature (ACMG/AMP: PS4_Supporting; PMIDs:12541220, 31158355). This variant is absent from or present at an exceedingly low frequency in gnomAD, a large-scale control population database (ACMG/AMP: PM2). This variant is in a gene that is highly specific for a disease with a single genetic etiology (ACMG/AMP: PP4).

Labcorp Genetics (formerly Invitae), Labcorp
Classification: Pathogenic for Retinoblastoma. Last evaluated: 2023-07-07. Review status: criteria provided, single submitter. Criteria: Invitae Variant Classification Sherloc (09022015). Collection method: clinical testing. Allele origin: germline.
Comment: ClinVar contains an entry for this variant (Variation ID: 1075933). This sequence change creates a premature translational stop signal (p.Leu64*) in the RB1 gene. It is expected to result in an absent or disrupted protein product. Loss-of-function variants in RB1 are known to be pathogenic (PMID: 17096365). This variant is not present in population databases (gnomAD no frequency). This premature translational stop signal has been observed in individual(s) with retinoblastoma (PMID: 12541220, 31158355). For these reasons, this variant has been classified as Pathogenic.

Literature cited by the submitters: PubMed 12541220 (cited by Institute for Genomic Medicine (IGM) Clinical Laboratory, Nationwide Children's Hospital and Labcorp Genetics (formerly Invitae), Labcorp); PubMed 31158355 (cited by Institute for Genomic Medicine (IGM) Clinical Laboratory, Nationwide Children's Hospital and Labcorp Genetics (formerly Invitae), Labcorp); PubMed 17096365 (cited by Labcorp Genetics (formerly Invitae), Labcorp).

NM_000321.3(RB1):c.191T>G (p.Leu64Ter)

Gene: RB1 (RB transcriptional corepressor 1; plus strand). Cytogenetic location: 13q14.2.
Variant type: single nucleotide variant.
Coding change: c.191T>G on transcript NM_000321.3 (MANE Select); coding-DNA position 191, T replaced by G.
Protein change: p.Leu64Ter; replaces leucine 64 with a stop codon.
Molecular consequence: nonsense.
Genome position (GRCh38, 1-based): chr13:48,307,333, T>G. VCF-style: chr13-48307333-T-G. GRCh37 (hg19) VCF-style: chr13-48881469-T-G.
Other names: c.191T>G (NM_000321.2); short protein forms L64*.
Identifiers: ClinVar variation 1075933 (VCV001075933.10), dbSNP rs2138034131, ClinGen allele CA388250543.